The following is an entry in ClinVar:

ClinVar aggregate classification (germline): Uncertain significance (1 of 4 stars; one submission).

Conditions:
Deficiency of transaldolase. Also called: EYAID SYNDROME. Identifiers: Orphanet 101028, MedGen C1291329, MONDO:0011624, OMIM 606003.

Submission:

Juno Genomics, Hangzhou Juno Genomics, Inc
Classification: Uncertain significance for Deficiency of transaldolase. Review status: criteria provided, single submitter. Criteria: ACMG Guidelines, 2015. Collection method: clinical testing. Allele origin: germline.
Comment: Absent from controls (or at extremely low frequency if recessive) in Genome Aggregation Database.;Multiple lines of computational evidence support a deleterious effect on the gene or gene product.

NM_006755.2(TALDO1):c.299C>T (p.Pro100Leu)

Gene: TALDO1 (transaldolase 1; plus strand). Cytogenetic location: 11p15.5.
Variant type: single nucleotide variant.
Coding change: c.299C>T on transcript NM_006755.2 (MANE Select); coding-DNA position 299, C replaced by T.
Protein change: p.Pro100Leu; replaces proline 100 with leucine.
Molecular consequence: missense variant.
Genome position (GRCh38, 1-based): chr11:759,027, C>T. VCF-style: chr11-759027-C-T. GRCh37 (hg19) VCF-style: chr11-759027-C-T.
Other names: short protein forms P100L.
Identifiers: ClinVar variation 5019263 (VCV005019263.2).